The following is an entry in ClinVar:

ClinVar aggregate classification (germline): Uncertain significance. Review status: criteria provided, multiple submitters, no conflicts (2 of 4 stars). 2 submissions from 2 submitters: Uncertain significance (2). Last evaluated 2026-02-19.

Conditions:
Cardiovascular phenotype. Identifiers: MedGen CN230736.
Dilated cardiomyopathy 1O (CMD1O). Also called: CARDIOMYOPATHY, DILATED, WITH VENTRICULAR TACHYCARDIA. Identifiers: Orphanet 154, MedGen C1837839, MONDO:0012062, OMIM 608569.

Allele frequency attached by ClinVar (database versions not stated): TOPMed below 0.00001; gnomAD 0.00002 and 0.00003.
gnomAD v4.1: 4 of 1,613,806 alleles (0.00025%); highest among the groups gnomAD compares: African/African-American, 0.0053%; no homozygotes.

Submissions (2):

Ambry Genetics
Classification: Uncertain significance for Cardiovascular phenotype. Last evaluated: 2026-02-19. Review status: criteria provided, single submitter. Criteria: Ambry Variant Classification Scheme 2023. Collection method: clinical testing. Allele origin: germline.
Comment: The p.G1241R variant (also known as c.3721G>A), located in coding exon 30 of the ABCC9 gene, results from a G to A substitution at nucleotide position 3721. The glycine at codon 1241 is replaced by arginine, an amino acid with dissimilar properties. This amino acid position is conserved. In addition, the in silico prediction for this alteration is inconclusive. Based on the available evidence, the clinical significance of this variant remains unclear.

Labcorp Genetics (formerly Invitae), Labcorp
Classification: Uncertain significance for Dilated cardiomyopathy 1O. Last evaluated: 2025-08-03. Review status: criteria provided, single submitter. Criteria: Invitae Variant Classification Sherloc (09022015). Collection method: clinical testing. Allele origin: germline.
Comment: This sequence change replaces glycine, which is neutral and non-polar, with arginine, which is basic and polar, at codon 1241 of the ABCC9 protein (p.Gly1241Arg). This variant is not present in population databases (gnomAD no frequency). This variant has not been reported in the literature in individuals affected with ABCC9-related conditions. ClinVar contains an entry for this variant (Variation ID: 934216). Invitae Evidence Modeling of protein sequence and biophysical properties (such as structural, functional, and spatial information, amino acid conservation, physicochemical variation, residue mobility, and thermodynamic stability) indicates that this missense variant is not expected to disrupt ABCC9 protein function with a negative predictive value of 95%. In summary, the available evidence is currently insufficient to determine the role of this variant in disease. Therefore, it has been classified as a Variant of Uncertain Significance.

NM_020297.4(ABCC9):c.3721G>A (p.Gly1241Arg)

Genes: ABCC9 (ATP binding cassette subfamily C member 9; minus strand), KCNJ8-AS1 (KCNJ8 antisense RNA 1; plus strand). Cytogenetic location: 12p12.1.
Variant type: single nucleotide variant.
Coding change: c.3721G>A on transcript NM_020297.4 (MANE Select); coding-DNA position 3721, G replaced by A.
Protein change: p.Gly1241Arg; replaces glycine 1241 with arginine.
Molecular consequence: missense variant.
Genome position (GRCh38, 1-based): chr12:21,818,200, C>T on the plus strand (G>A on the coding strand, the complement: ABCC9 is on the minus strand). VCF-style: chr12-21818200-C-T. GRCh37 (hg19) VCF-style: chr12-21971134-C-T.
Other names: c.3721G>A (NM_005691.2); c.3721G>A, p.Gly1241Arg (NM_001377273.1, NM_005691.4); c.2854G>A, p.Gly952Arg (NM_001377274.1); short protein forms G952R, G1241R.
Identifiers: ClinVar variation 934216 (VCV000934216.8), dbSNP rs960064997, ClinGen allele CA233616990.